The following is an entry in ClinVar:

NM_000426.4(LAMA2):c.7231G>A (p.Val2411Ile)

Gene: LAMA2 (laminin subunit alpha 2; plus strand). Cytogenetic location: 6q22.33.
Variant type: single nucleotide variant.
Coding change: c.7231G>A on transcript NM_000426.4 (MANE Select); coding-DNA position 7231, G replaced by A.
Protein change: p.Val2411Ile; replaces valine 2411 with isoleucine.
Molecular consequence: missense variant.
Genome position (GRCh38, 1-based): chr6:129,465,220, G>A. VCF-style: chr6-129465220-G-A. GRCh37 (hg19) VCF-style: chr6-129786365-G-A.
Other names: c.7231G>A, p.Val2411Ile (NM_001079823.2); short protein forms V2411I.
Identifiers: ClinVar variation 906088 (VCV000906088.37), dbSNP rs199814707, ClinGen allele CA3994489.

ClinVar aggregate classification (germline): Conflicting classifications of pathogenicity. Review status: criteria provided, conflicting classifications (1 of 4 stars). 6 submissions from 6 submitters: Uncertain significance (5); Likely benign (1). Last evaluated 2025-10-20.

Conditions:
Merosin deficient congenital muscular dystrophy (MDC1A). Also called: Congenital Muscular Dystrophy Type 1A (MDC1A); Congenital merosin-deficient muscular dystrophy 1A. Identifiers: Orphanet 258, MedGen C1263858, MONDO:0011925, OMIM 607855.
Congenital muscular dystrophy due to partial LAMA2 deficiency. Identifiers: MedGen C1842898.
LAMA2-related muscular dystrophy (LAMA2-RD). Also called: Laminin alpha 2-related dystrophy. Identifiers: MedGen C5679788, MONDO:0100228.

Allele frequency attached by ClinVar (database versions not stated): ExAC 0.00002; gnomAD exomes 0.00002 and 0.00006; TOPMed 0.00003; ESP Exome Variant Server 0.00008.
gnomAD v4.1: 97 of 1,611,194 alleles (0.006%); highest among the groups gnomAD compares: Middle Eastern, 0.033%; no homozygotes.

Submissions (6):

Mayo Clinic Laboratories, Mayo Clinic
Classification: Uncertain significance. Last evaluated: 2025-10-20. Review status: criteria provided, single submitter. Criteria: ACMG Guidelines, 2015. Collection method: clinical testing. Allele origin: germline. Observed: 2 variant alleles.
Comment: BP4, PM2_supporting

Revvity Omics, Revvity
Classification: Uncertain significance. Last evaluated: 2024-03-18. Review status: criteria provided, single submitter. Criteria: ACMG Guidelines, 2015. Collection method: clinical testing. Allele origin: germline.

CeGaT Center for Human Genetics Tuebingen
Classification: Likely benign. Last evaluated: 2022-09-01. Review status: criteria provided, single submitter. Criteria: CeGaT Center For Human Genetics Tuebingen Variant Classification Criteria Version 2. Collection method: clinical testing. Allele origin: germline. Affected: yes. Observed: 1 variant allele.
Comment: LAMA2: BP4

Labcorp Genetics (formerly Invitae), Labcorp
Classification: Uncertain significance for LAMA2-related muscular dystrophy. Last evaluated: 2022-08-16. Review status: criteria provided, single submitter. Criteria: Invitae Variant Classification Sherloc (09022015). Collection method: clinical testing. Allele origin: germline.
Comment: This sequence change replaces valine, which is neutral and non-polar, with isoleucine, which is neutral and non-polar, at codon 2411 of the LAMA2 protein (p.Val2411Ile). This variant is present in population databases (rs199814707, gnomAD 0.005%). This variant has not been reported in the literature in individuals affected with LAMA2-related conditions. ClinVar contains an entry for this variant (Variation ID: 906088). Advanced modeling of protein sequence and biophysical properties (such as structural, functional, and spatial information, amino acid conservation, physicochemical variation, residue mobility, and thermodynamic stability) performed at Invitae indicates that this missense variant is not expected to disrupt LAMA2 protein function. In summary, the available evidence is currently insufficient to determine the role of this variant in disease. Therefore, it has been classified as a Variant of Uncertain Significance.

Baylor Genetics
Classification: Uncertain significance for Merosin deficient congenital muscular dystrophy. Last evaluated: 2020-06-19. Review status: criteria provided, single submitter. Criteria: ACMG Guidelines, 2015. Collection method: clinical testing. Allele origin: unknown. Affected: yes.
Comment: This variant was determined to be of uncertain significance according to ACMG Guidelines, 2015 [PMID:25741868].

Illumina Laboratory Services, Illumina
Classification: Uncertain significance for Congenital muscular dystrophy due to partial LAMA2 deficiency. Last evaluated: 2018-01-13. Review status: criteria provided, single submitter. Criteria: ICSL Variant Classification Criteria 13 December 2019. Collection method: clinical testing. Allele origin: germline.